The following is an entry in ClinVar:

NM_001127222.2(CACNA1A):c.5154C>G (p.Ile1718Met)

Gene: CACNA1A (calcium voltage-gated channel subunit alpha1 A; minus strand). Cytogenetic location: 19p13.13.
Variant type: single nucleotide variant.
Coding change: c.5154C>G on transcript NM_001127222.2 (MANE Select); coding-DNA position 5154, C replaced by G.
Protein change: p.Ile1718Met; replaces isoleucine 1718 with methionine.
Molecular consequence: missense variant.
Genome position (GRCh38, 1-based): chr19:13,235,016, G>C on the plus strand (C>G on the coding strand, the complement: CACNA1A is on the minus strand). VCF-style: chr19-13235016-G-C. GRCh37 (hg19) VCF-style: chr19-13345830-G-C.
Other names: c.5172C>G, p.Ile1724Met (NM_000068.4, NM_023035.3); c.5157C>G, p.Ile1719Met (NM_001127221.2); c.5163C>G, p.Ile1721Met (NM_001174080.2); short protein forms I1724M, I1718M, I1721M, I1719M.
Identifiers: ClinVar variation 2953679 (VCV002953679.3), dbSNP rs751799133, ClinGen allele CA404335735.

ClinVar aggregate classification (germline): Uncertain significance (1 of 4 stars; one submission).

Conditions:
Episodic ataxia type 2 (EA2). Also called: CEREBELLAR ATAXIA, PAROXYSMAL, ACETAZOLAMIDE-RESPONSIVE; CEREBELLOPATHY, HEREDITARY PAROXYSMAL; EPISODIC ATAXIA, NYSTAGMUS-ASSOCIATED; ACETAZOLAMIDE-RESPONSIVE HEREDITARY PAROXYSMAL CEREBELLAR ATAXIA; ATAXIA, EPISODIC, WITH NYSTAGMUS; ATAXIA, FAMILIAL PAROXYSMAL. Identifiers: Orphanet 97, MedGen C1720416, MONDO:0007163, OMIM 108500.
Developmental and epileptic encephalopathy, 42 (DEE42A). Also called: Epileptic encephalopathy, early infantile, 42; DEVELOPMENTAL AND EPILEPTIC ENCEPHALOPATHY 42A; EPILEPTIC ENCEPHALOPATHY, EARLY INFANTILE, 42A. Identifiers: MedGen C4310716, MONDO:0014917, OMIM 617106.

Submission:

Labcorp Genetics (formerly Invitae), Labcorp
Classification: Uncertain significance for Developmental and epileptic encephalopathy, 42; Episodic ataxia type 2. Last evaluated: 2023-11-18. Review status: criteria provided, single submitter. Criteria: Invitae Variant Classification Sherloc (09022015). Collection method: clinical testing. Allele origin: germline.
Comment: This sequence change replaces isoleucine, which is neutral and non-polar, with methionine, which is neutral and non-polar, at codon 1719 of the CACNA1A protein (p.Ile1719Met). This variant is not present in population databases (gnomAD no frequency). This variant has not been reported in the literature in individuals affected with CACNA1A-related conditions. Advanced modeling of protein sequence and biophysical properties (such as structural, functional, and spatial information, amino acid conservation, physicochemical variation, residue mobility, and thermodynamic stability) performed at Invitae indicates that this missense variant is not expected to disrupt CACNA1A protein function with a negative predictive value of 95%. In summary, the available evidence is currently insufficient to determine the role of this variant in disease. Therefore, it has been classified as a Variant of Uncertain Significance.